The following is an entry in ClinVar:

NM_004092.4(ECHS1):c.286+262A>G

Gene: ECHS1 (enoyl-CoA hydratase, short chain 1; minus strand). Cytogenetic location: 10q26.3.
Variant type: single nucleotide variant.
Coding change: c.286+262A>G on transcript NM_004092.4 (MANE Select); 262 bases into the intron after coding-DNA position 286, A replaced by G.
Molecular consequence: intron variant.
Genome position (GRCh38, 1-based): chr10:133,370,298, T>C on the plus strand (A>G on the coding strand, the complement: ECHS1 is on the minus strand). VCF-style: chr10-133370298-T-C. GRCh37 (hg19) VCF-style: chr10-135183802-T-C.
Identifiers: ClinVar variation 683761 (VCV000683761.1), dbSNP rs7100433, ClinGen allele CA216818750.

ClinVar aggregate classification (germline): Benign (1 of 4 stars; one submission).

Allele frequency attached by ClinVar (database versions not stated): TOPMed 0.97910; 1000 Genomes Project 30x 0.98079; gnomAD 0.98082 and 0.98197; 1000 Genomes Project 0.98143.
gnomAD v4.1: 149,662 of 152,376 alleles (98%); highest among the groups gnomAD compares: Middle Eastern, 100%; 73,545 homozygotes.

Submission:

GeneDx
Classification: Benign. Last evaluated: 2018-06-14. Review status: criteria provided, single submitter. Criteria: GeneDx Variant Classification (06012015). Collection method: clinical testing. Allele origin: germline. Affected: yes.
Comment: This variant is considered likely benign or benign based on one or more of the following criteria: it is a conservative change, it occurs at a poorly conserved position in the protein, it is predicted to be benign by multiple in silico algorithms, and/or has population frequency not consistent with disease.